The following is an entry in ClinVar:

NM_003073.5(SMARCB1):c.301G>T (p.Asp101Tyr)

Gene: SMARCB1 (SWI/SNF related BAF chromatin remodeling complex subunit B1; plus strand). Cytogenetic location: 22q11.23.
Variant type: single nucleotide variant.
Coding change: c.301G>T on transcript NM_003073.5 (MANE Select); coding-DNA position 301, G replaced by T.
Protein change: p.Asp101Tyr; replaces aspartic acid 101 with tyrosine.
Molecular consequence: missense variant.
Genome position (GRCh38, 1-based): chr22:23,793,627, G>T. VCF-style: chr22-23793627-G-T. GRCh37 (hg19) VCF-style: chr22-24135814-G-T.
Other names: c.274G>T, p.Asp92Tyr (NM_001007468.3, NM_001317946.2); c.301G>T, p.Asp101Tyr (NM_001362877.2); short protein forms D92Y, D101Y.
Identifiers: ClinVar variation 1037169 (VCV001037169.8), dbSNP rs774488493, ClinGen allele CA410933814.

ClinVar aggregate classification (germline): Uncertain significance (1 of 4 stars; one submission).

Submission:

Labcorp Genetics (formerly Invitae), Labcorp
Classification: Uncertain significance. Last evaluated: 2020-04-06. Review status: criteria provided, single submitter. Criteria: Invitae Variant Classification Sherloc (09022015). Collection method: clinical testing. Allele origin: germline.
Comment: In summary, the available evidence is currently insufficient to determine the role of this variant in disease. Therefore, it has been classified as a Variant of Uncertain Significance. Algorithms developed to predict the effect of sequence changes on RNA splicing suggest that this variant may create or strengthen a splice site, but this prediction has not been confirmed by published transcriptional studies. Algorithms developed to predict the effect of missense changes on protein structure and function are either unavailable or do not agree on the potential impact of this missense change (SIFT: "Deleterious"; PolyPhen-2: "Benign"; Align-GVGD: "Class C0"). This variant has not been reported in the literature in individuals with SMARCB1-related conditions. This variant is not present in population databases (ExAC no frequency). This sequence change replaces aspartic acid with tyrosine at codon 101 of the SMARCB1 protein (p.Asp101Tyr). The aspartic acid residue is moderately conserved and there is a large physicochemical difference between aspartic acid and tyrosine.